The following is an entry in ClinVar:

ClinVar aggregate classification (germline): Benign/Likely benign. Review status: criteria provided, multiple submitters, no conflicts (2 of 4 stars). 3 submissions from 3 submitters: Benign (1); Likely benign (2). Last evaluated 2026-09-18.

Conditions:
Colorectal cancer, hereditary nonpolyposis, type 7. Identifiers: Orphanet 144, MedGen C1858380, MONDO:0013725, OMIM 614385.

Allele frequency attached by ClinVar (database versions not stated): TOPMed below 0.00001.
gnomAD v4.1: 1 of 1,614,040 alleles (0.000062%); highest among the groups gnomAD compares: Non-Finnish European, 0.000085%; no homozygotes.

Submissions (3):

Myriad Genetics, Inc.
Classification: Benign for Colorectal cancer, hereditary nonpolyposis, type 7. Last evaluated: 2026-09-18. Review status: criteria provided, single submitter. Criteria: Myriad Autosomal Dominant, Autosomal Recessive and X-Linked Classification Criteria (2023). Collection method: clinical testing. Allele origin: unknown.
Comment: This variant is considered benign. This variant is a silent/synonymous amino acid change and it is not expected to impact splicing.

Labcorp Genetics (formerly Invitae), Labcorp
Classification: Likely benign for Colorectal cancer, hereditary nonpolyposis, type 7. Last evaluated: 2024-12-21. Review status: criteria provided, single submitter. Criteria: Invitae Variant Classification Sherloc (09022015). Collection method: clinical testing. Allele origin: germline.

Ambry Genetics
Classification: Likely benign. Last evaluated: 2023-06-08. Review status: criteria provided, single submitter. Criteria: Ambry Variant Classification Scheme 2023. Collection method: clinical testing. Allele origin: germline.

NM_001040108.2(MLH3):c.4092G>T (p.Gly1364=)

Gene: MLH3 (mutL homolog 3; minus strand). Cytogenetic location: 14q24.3.
Variant type: single nucleotide variant.
Coding change: c.4092G>T on transcript NM_001040108.2 (MANE Select); coding-DNA position 4092, G replaced by T.
Protein change: p.Gly1364=; no amino-acid change (glycine 1364 retained).
Molecular consequence: synonymous variant.
Genome position (GRCh38, 1-based): chr14:75,018,979, C>A on the plus strand (G>T on the coding strand, the complement: MLH3 is on the minus strand). VCF-style: chr14-75018979-C-A. GRCh37 (hg19) VCF-style: chr14-75485682-C-A.
Other names: c.4020G>T, p.Gly1340= (NM_014381.3).
Identifiers: ClinVar variation 2561674 (VCV002561674.5), dbSNP rs1555386745, ClinGen allele CA487175073.